The following is an entry in ClinVar:

NM_000384.3(APOB):c.4780C>A (p.Gln1594Lys)

Gene: APOB (apolipoprotein B; minus strand). Cytogenetic location: 2p24.1.
Variant type: single nucleotide variant.
Coding change: c.4780C>A on transcript NM_000384.3 (MANE Select); coding-DNA position 4780, C replaced by A.
Protein change: p.Gln1594Lys; replaces glutamine 1594 with lysine.
Molecular consequence: missense variant.
Genome position (GRCh38, 1-based): chr2:21,012,088, G>T on the plus strand (C>A on the coding strand, the complement: APOB is on the minus strand). VCF-style: chr2-21012088-G-T. GRCh37 (hg19) VCF-style: chr2-21234960-G-T.
Other names: short protein forms Q1594K.
Identifiers: ClinVar variation 1374501 (VCV001374501.5), dbSNP rs1663340584, ClinGen allele CA346006139.
Genomic context (GRCh38, chr2:21,012,088, plus strand): 5'-GGCTGAAGAACCTCAATGACTCGTAATCAGCCTGATATTCAGAACGCAGCAGTGCATTTT[G>T]CTTAGAGAAGGTCATATCCATCTTGTTAGAAGTGGCAAAGTTCTTATACTTCCCATTGGT-3'
Protein context (NP_000375.3, residues 1584-1604): SNKMDMTFSK[Gln1594Lys]NALLRSEYQA

ClinVar aggregate classification (germline): Uncertain significance (1 of 4 stars; one submission).

Conditions:
Familial hypobetalipoproteinemia 1. Also called: APOB-Related Familial Hypobetalipoproteinemia; Hypobetalipoproteinemia, normotriglyceridemic; Acanthocytosis with hypobetalipoproteinemia. Identifiers: MedGen C4551990, MONDO:0014252, OMIM 615558.
Hypercholesterolemia, autosomal dominant, type B (FHCL2). Also called: Familial Hypercholesterolemia Type B; APOLIPOPROTEIN B-100, FAMILIAL DEFECTIVE; APOLIPOPROTEIN B-100, FAMILIAL LIGAND-DEFECTIVE; HYPERCHOLESTEROLEMIA, FAMILIAL, DUE TO LIGAND-DEFECTIVE APOLIPOPROTEIN B; APOB-Related Familial Hypercholesterolemia, Autosomal Dominant; Familial hypercholesterolemia 2. Identifiers: MedGen C1704417, MONDO:0007751, OMIM 144010.

Submission:

Labcorp Genetics (formerly Invitae), Labcorp
Classification: Uncertain significance for Familial hypobetalipoproteinemia 1; Hypercholesterolemia, autosomal dominant, type B. Last evaluated: 2021-08-28. Review status: criteria provided, single submitter. Criteria: Invitae Variant Classification Sherloc (09022015). Collection method: clinical testing. Allele origin: germline.
Comment: This sequence change replaces glutamine with lysine at codon 1594 of the APOB protein (p.Gln1594Lys). The glutamine residue is moderately conserved and there is a small physicochemical difference between glutamine and lysine. This variant is not present in population databases (ExAC no frequency). This variant has not been reported in the literature in individuals affected with APOB-related conditions. Algorithms developed to predict the effect of missense changes on protein structure and function (SIFT, PolyPhen-2, Align-GVGD) all suggest that this variant is likely to be tolerated. In summary, the available evidence is currently insufficient to determine the role of this variant in disease. Therefore, it has been classified as a Variant of Uncertain Significance.